The following is an entry in ClinVar:

ClinVar aggregate classification (germline): Pathogenic/Likely pathogenic. Review status: criteria provided, multiple submitters, no conflicts (2 of 4 stars). 2 submissions from 2 submitters: Pathogenic (1); Likely pathogenic (1). Last evaluated 2024-06-19.

Conditions:
Tuberous sclerosis 2 (TSC2). Identifiers: Orphanet 805, MedGen C1860707, MONDO:0013199, OMIM 613254.

Submissions (2):

Labcorp Genetics (formerly Invitae), Labcorp
Classification: Pathogenic for Tuberous sclerosis 2. Last evaluated: 2024-06-19. Review status: criteria provided, single submitter. Criteria: Invitae Variant Classification Sherloc (09022015). Collection method: clinical testing. Allele origin: germline.
Comment: This sequence change replaces isoleucine, which is neutral and non-polar, with asparagine, which is neutral and polar, at codon 1747 of the TSC2 protein (p.Ile1747Asn). This variant is not present in population databases (gnomAD no frequency). This missense change has been observed in individual(s) with clinical features of tuberous sclerosis complex (PMID: 36030538; Invitae). In at least one individual the variant was observed to be de novo. Advanced modeling of protein sequence and biophysical properties (such as structural, functional, and spatial information, amino acid conservation, physicochemical variation, residue mobility, and thermodynamic stability) performed at Invitae indicates that this missense variant is expected to disrupt TSC2 protein function with a positive predictive value of 80%. For these reasons, this variant has been classified as Pathogenic.

GeneDx
Classification: Likely pathogenic. Last evaluated: 2024-05-01. Review status: criteria provided, single submitter. Criteria: GeneDx Variant Classification Process June 2021. Collection method: clinical testing. Allele origin: germline. Affected: yes.
Comment: Not observed at significant frequency in large population cohorts (gnomAD); In silico analysis supports that this missense variant has a deleterious effect on protein structure/function; This variant is associated with the following publications: (PMID: 36030538)

Literature cited by the submitters: PubMed 36030538 (cited by Labcorp Genetics (formerly Invitae), Labcorp).

NM_000548.5(TSC2):c.5240T>A (p.Ile1747Asn)

Gene: TSC2 (TSC complex subunit 2; plus strand). Cytogenetic location: 16p13.3.
Variant type: single nucleotide variant.
Coding change: c.5240T>A on transcript NM_000548.5 (MANE Select); coding-DNA position 5240, T replaced by A.
Protein change: p.Ile1747Asn; replaces isoleucine 1747 with asparagine.
Molecular consequence: missense variant. On other transcripts: non-coding transcript variant (5).
Genome position (GRCh38, 1-based): chr16:2,088,306, T>A. VCF-style: chr16-2088306-T-A. GRCh37 (hg19) VCF-style: chr16-2138307-T-A.
Other names: c.5108T>A, p.Ile1703Asn (NM_001370404.1); c.5099T>A, p.Ile1700Asn (NM_001370405.1); c.5237T>A, p.Ile1746Asn (NM_001406663.1); c.5168T>A, p.Ile1723Asn (NM_001406664.1); c.5162T>A, p.Ile1721Asn (NM_001406665.1); c.5132T>A, p.Ile1711Asn (NM_001406667.1); c.5129T>A, p.Ile1710Asn (NM_001406668.1); c.5060T>A, p.Ile1687Asn (NM_001406670.1); and 27 more; short protein forms I1146N, I1232N, I1233N, I1255N, I1256N, I1276N, I1480N, I1481N.
Identifiers: ClinVar variation 3372115 (VCV003372115.3).
Genomic context (GRCh38, chr16:2,088,306, plus strand): 5'-ATAGCCGCTCCAACCCCACCGATATCTACCCCTCCAAGTGGATTGCCCGGCTCCGCCACA[T>A]CAAGCGGCTCCGCCAGCGGGTAGGGAATATGGGGCTCCCTCAGCGGGGTGTGCTGGCTGC-3'
Protein context (NP_000539.2, residues 1737-1757): PSKWIARLRH[Ile1747Asn]KRLRQRICEE